The following is an entry in ClinVar:

ClinVar aggregate classification (germline): Uncertain significance (1 of 4 stars; one submission).

Submission:

Greenwood Genetic Center Diagnostic Laboratories, Greenwood Genetic Center
Classification: Uncertain significance. Last evaluated: 2025-05-16. Review status: criteria provided, single submitter. Criteria: ACMG Guidelines, 2015. Collection method: clinical testing. Allele origin: germline. Affected: yes.
Comment: Gene of Uncertain Significance

NM_033225.6(CSMD1):c.9031_9039dup (p.Gly3013_Leu3014insThrSerGly)

Genes: CSMD1 (CUB and Sushi multiple domains 1; minus strand), LOC105377785 (uncharacterized LOC105377785; plus strand). Cytogenetic location: 8p23.2.
Variant type: Duplication.
Coding change: c.9031_9039dup on transcript NM_033225.6 (MANE Select); coding-DNA positions 9031 to 9039, 9 bases duplicated (ACCTCAGGG; older notation c.9031_9039dupACCTCAGGG).
Protein change: p.Gly3013_Leu3014insThrSerGly.
Genome position (GRCh38, 1-based): chr8:2,966,631-2,966,639, CCCTGAGGT duplicated on the plus strand (ACCTCAGGG on the coding strand, the reverse complement: CSMD1 is on the minus strand); duplicating any 9 consecutive bases within chr8:2,966,631-2,966,640 gives the same sequence; the c. name uses the placement nearest the transcript's 3' end. VCF-style (leftmost placement, unchanged base first): chr8-2966630-G-GCCCTGAGGT. GRCh37 (hg19) VCF-style: chr8-2824152-G-GCCCTGAGGT.
Identifiers: ClinVar variation 4538243 (VCV004538243.1).